The following is an entry in ClinVar:

NM_001184.4(ATR):c.4951T>C (p.Tyr1651His)

Gene: ATR (ATR serine/threonine kinase; minus strand). Cytogenetic location: 3q23.
Variant type: single nucleotide variant.
Coding change: c.4951T>C on transcript NM_001184.4 (MANE Select); coding-DNA position 4951, T replaced by C.
Protein change: p.Tyr1651His; replaces tyrosine 1651 with histidine.
Molecular consequence: missense variant.
Genome position (GRCh38, 1-based): chr3:142,508,011, A>G on the plus strand (T>C on the coding strand, the complement: ATR is on the minus strand). VCF-style: chr3-142508011-A-G. GRCh37 (hg19) VCF-style: chr3-142226853-A-G.
Other names: c.4759T>C, p.Tyr1587His (NM_001354579.2); short protein forms Y1587H, Y1651H.
Identifiers: ClinVar variation 3462616 (VCV003462616.1).

ClinVar aggregate classification (germline): Uncertain significance (1 of 4 stars; one submission).

Conditions:
Inborn genetic diseases. Identifiers: MedGen C0950123, MeSH D030342.

gnomAD v4.1: 1 of 1,613,578 alleles (0.000062%); highest among the groups gnomAD compares: Non-Finnish European, 0.000085%; no homozygotes.

Submission:

Ambry Genetics
Classification: Uncertain significance for Inborn genetic diseases. Last evaluated: 2024-09-05. Review status: criteria provided, single submitter. Criteria: Ambry Variant Classification Scheme 2023. Collection method: clinical testing. Allele origin: germline.
Comment: The p.Y1651H variant (also known as c.4951T>C), located in coding exon 28 of the ATR gene, results from a T to C substitution at nucleotide position 4951. The tyrosine at codon 1651 is replaced by histidine, an amino acid with similar properties. This amino acid position is conserved. In addition, this alteration is predicted to be deleterious by in silico analysis. Based on the available evidence, the clinical significance of this variant remains unclear.